The following is an entry in ClinVar:

NM_001142800.2(EYS):c.3213del (p.Thr1072fs)

Gene: EYS (EGF-like photoreceptor maintenance factor; minus strand). Cytogenetic location: 6q12.
Variant type: Deletion.
Coding change: c.3213del on transcript NM_001142800.2 (MANE Select); coding-DNA position 3213, one base deleted (G; older notation c.3213delG).
Protein change: p.Thr1072fs; shifts the reading frame from threonine 1072.
Molecular consequence: frameshift variant.
Genome position (GRCh38, 1-based): chr6:64,821,675, C deleted on the plus strand (G on the coding strand, the reverse complement: EYS is on the minus strand); the first of 3 consecutive C bases (chr6:64,821,675-64,821,677); deleting any one gives the same sequence. VCF-style (leftmost placement, unchanged base first): chr6-64821674-TC-T. GRCh37 (hg19) VCF-style: chr6-65531567-TC-T.
Other names: c.3213del, p.Thr1072fs (NM_001292009.2); short protein forms T1072fs.
Identifiers: ClinVar variation 2045374 (VCV002045374.4), dbSNP rs2533165826, ClinGen allele CA2580075666.

ClinVar aggregate classification (germline): Pathogenic (1 of 4 stars; one submission).

Submission:

Labcorp Genetics (formerly Invitae), Labcorp
Classification: Pathogenic. Last evaluated: 2022-08-16. Review status: criteria provided, single submitter. Criteria: Invitae Variant Classification Sherloc (09022015). Collection method: clinical testing. Allele origin: germline.
Comment: For these reasons, this variant has been classified as Pathogenic. Algorithms developed to predict the effect of sequence changes on RNA splicing suggest that this variant may create or strengthen a splice site. This variant has not been reported in the literature in individuals affected with EYS-related conditions. This variant is not present in population databases (gnomAD no frequency). This sequence change creates a premature translational stop signal (p.Thr1072Leufs*18) in the EYS gene. It is expected to result in an absent or disrupted protein product. Loss-of-function variants in EYS are known to be pathogenic (PMID: 18836446, 20333770).

Literature cited by the submitters: PubMed 18836446; PubMed 20333770.